The following is an entry in ClinVar:

NM_000069.3(CACNA1S):c.4425C>T (p.Leu1475=)

Gene: CACNA1S (calcium voltage-gated channel subunit alpha1 S; minus strand). Cytogenetic location: 1q32.1.
Variant type: single nucleotide variant.
Coding change: c.4425C>T on transcript NM_000069.3 (MANE Select); coding-DNA position 4425, C replaced by T.
Protein change: p.Leu1475=; no amino-acid change (leucine 1475 retained).
Molecular consequence: synonymous variant.
Genome position (GRCh38, 1-based): chr1:201,048,598, G>A on the plus strand (C>T on the coding strand, the complement: CACNA1S is on the minus strand). VCF-style: chr1-201048598-G-A. GRCh37 (hg19) VCF-style: chr1-201017726-G-A.
Identifiers: ClinVar variation 508778 (VCV000508778.8), dbSNP rs1553248697, ClinGen allele CA422718775.

ClinVar aggregate classification (germline): Likely benign. Review status: criteria provided, multiple submitters, no conflicts (2 of 4 stars). 7 submissions from 4 submitters: Likely benign (7). Last evaluated 2025-05-14.

Conditions:
Hypokalemic periodic paralysis, type 1. Also called: HypoPP; Hypokalemic Periodic Paralysis Type 1 (AD). Identifiers: Orphanet 681, MedGen C3714580, MONDO:0042979, OMIM 170400.
Thyrotoxic periodic paralysis, susceptibility to, 1 (TTPP1). Identifiers: Orphanet 79102, MedGen C2749982, MONDO:0008570, OMIM 188580.
Malignant hyperthermia, susceptibility to, 5 (MHS5). Also called: CACNA1S-Related Malignant Hyperthermia Susceptibility. Identifiers: Orphanet 423, MedGen C1866077, MONDO:0011163, OMIM 601887.
Congenital myopathy 18. Also called: Myopathy, congenital, due to dihydropyridine receptor defect; DIHYDROPYRIDINE RECEPTOR CONGENITAL MYOPATHY; DHPR CONGENITAL MYOPATHY. Identifiers: MedGen C5830283, MONDO:0859514, OMIM 620246.

Allele frequency attached by ClinVar (database versions not stated): gnomAD exomes below 0.00001.
gnomAD v4.1: 6 of 1,613,612 alleles (0.00037%); highest among the groups gnomAD compares: Non-Finnish European, 0.00051%; no homozygotes.

Submissions (7):

Color Diagnostics, LLC DBA Color Health
Classification: Likely benign for Malignant hyperthermia, susceptibility to, 5. Last evaluated: 2025-05-14. Review status: criteria provided, single submitter. Criteria: ACMG Guidelines, 2015. Collection method: clinical testing. Allele origin: germline.

Labcorp Genetics (formerly Invitae), Labcorp
Classification: Likely benign for Hypokalemic periodic paralysis, type 1; Malignant hyperthermia, susceptibility to, 5. Last evaluated: 2024-05-04. Review status: criteria provided, single submitter. Criteria: Invitae Variant Classification Sherloc (09022015). Collection method: clinical testing. Allele origin: germline.

Genome-Nilou Lab
Classification: Likely benign for Malignant hyperthermia, susceptibility to, 5. Last evaluated: 2023-04-11. Review status: criteria provided, single submitter. Criteria: ACMG Guidelines, 2015. Collection method: clinical testing. Allele origin: germline. Affected: no.

Genome-Nilou Lab
Classification: Likely benign for Thyrotoxic periodic paralysis, susceptibility to, 1. Last evaluated: 2023-04-11. Review status: criteria provided, single submitter. Criteria: ACMG Guidelines, 2015. Collection method: clinical testing. Allele origin: germline. Affected: no.

Genome-Nilou Lab
Classification: Likely benign for Congenital myopathy 18. Last evaluated: 2023-04-11. Review status: criteria provided, single submitter. Criteria: ACMG Guidelines, 2015. Collection method: clinical testing. Allele origin: germline. Affected: no.

Genome-Nilou Lab
Classification: Likely benign for Hypokalemic periodic paralysis, type 1. Last evaluated: 2023-04-11. Review status: criteria provided, single submitter. Criteria: ACMG Guidelines, 2015. Collection method: clinical testing. Allele origin: germline. Affected: no.

GeneDx
Classification: Likely benign. Last evaluated: 2017-04-06. Review status: criteria provided, single submitter. Criteria: GeneDx Variant Classification (06012015). Collection method: clinical testing. Allele origin: germline. Affected: yes.
Comment: This variant is considered likely benign or benign based on one or more of the following criteria: it is a conservative change, it occurs at a poorly conserved position in the protein, it is predicted to be benign by multiple in silico algorithms, and/or has population frequency not consistent with disease.